The following is an entry in ClinVar:

NM_017636.4(TRPM4):c.858G>A (p.Thr286=)

Gene: TRPM4 (transient receptor potential cation channel subfamily M member 4; plus strand). Cytogenetic location: 19q13.33.
Variant type: single nucleotide variant.
Coding change: c.858G>A on transcript NM_017636.4 (MANE Select); coding-DNA position 858, G replaced by A.
Protein change: p.Thr286=; no amino-acid change (threonine 286 retained).
Molecular consequence: synonymous variant. On other transcripts: 5 prime UTR variant (1).
Genome position (GRCh38, 1-based): chr19:49,171,418, G>A. VCF-style: chr19-49171418-G-A. GRCh37 (hg19) VCF-style: chr19-49674675-G-A.
Other names: c.858G>A, p.Thr286= (NM_001195227.2); c.513G>A, p.Thr171= (NM_001321281.2); c.-696G>A (NM_001321282.2); c.336G>A, p.Thr112= (NM_001321283.2); c.9G>A, p.Thr3= (NM_001321285.2).
Identifiers: ClinVar variation 1370326 (VCV001370326.10), dbSNP rs760622386, ClinGen allele CA9568980.
Genomic context (GRCh38, chr19:49,171,418, plus strand): 5'-GACTGGAATTGACATCCCTGTCCTGCTCCTCCTGATTGATGGTGATGAGAAGATGTTGAC[G>A]GTATAGGGGCCCGGATGCCCGGATCTAAGGGGGAAGGAGGGTTGGGGGCCAGGACTCCTG-3'
Protein context (NP_060106.2, residues 276-296): LLIDGDEKML[Thr286=]RIENATQAQL

ClinVar aggregate classification (germline): Uncertain significance. Review status: criteria provided, multiple submitters, no conflicts (2 of 4 stars). 3 submissions from 3 submitters: Uncertain significance (3). Last evaluated 2025-02-04.

Conditions:
TRPM4-related disorder. Also called: TRPM4-related condition; TRPM4-related disorders. Identifiers: MedGen CN239424.
Progressive familial heart block type IB (PFHB1B). Identifiers: Orphanet 871, MedGen C1970298, MONDO:0011474, OMIM 604559.
Erythrokeratodermia variabilis et progressiva 6. Identifiers: MedGen C5193144, MONDO:0032801, OMIM 618531.

Allele frequency attached by ClinVar (database versions not stated): TOPMed below 0.00001; gnomAD 0.00001; gnomAD exomes 0.00001 and 0.00002; ExAC 0.00002.
gnomAD v4.1: 33 of 1,613,940 alleles (0.002%); highest among the groups gnomAD compares: East Asian, 0.045%; no homozygotes.

Submissions (3):

3billion
Classification: Uncertain significance for TRPM4-related disorder. Last evaluated: 2025-02-04. Review status: criteria provided, single submitter. Criteria: ACMG Guidelines, 2015. Collection method: clinical testing. Allele origin: germline. Affected: yes.
Comment: The variant is observed at an extremely low frequency in the gnomAD v4.1.0 dataset (total allele frequency: 0.002%). Predicted Consequence/Location: Synonymous variant: previously reported to alter splicing from an in vitro assay and reduce expression level of the gene (PMID: 29748318). In silico tools predict the variant to alter splicing and produce an abnormal transcript [SpliceAI: 0.89 (spliceogenicity >=0.2, non-spliceogenicity <0.1)]. Synonymous variant: previously reported to alter splicing from an in vitro assay and reduce expression level of the gene (PMID: 29748318). Therefore, this variant is classified as VUS according to the recommendation of ACMG/AMP guideline.

Fulgent Genetics
Classification: Uncertain significance for Progressive familial heart block type IB; Erythrokeratodermia variabilis et progressiva 6. Last evaluated: 2021-09-17. Review status: criteria provided, single submitter. Criteria: ACMG Guidelines, 2015. Collection method: clinical testing. Allele origin: unknown.

Labcorp Genetics (formerly Invitae), Labcorp
Classification: Uncertain significance for Progressive familial heart block type IB. Last evaluated: 2021-01-04. Review status: criteria provided, single submitter. Criteria: Invitae Variant Classification Sherloc (09022015). Collection method: clinical testing. Allele origin: germline.
Comment: In summary, the available evidence is currently insufficient to determine the role of this variant in disease. Therefore, it has been classified as a Variant of Uncertain Significance. Nucleotide substitutions within the consensus splice site are a relatively common cause of aberrant splicing (PMID: 17576681, 9536098). Studies have shown that this variant is associated with exon 7 skipping, which introduces a premature termination codon (PMID: 29748318). The resulting mRNA is expected to undergo nonsense-mediated decay. This variant has been observed in individual(s) with clinical features of TRPM4-related conditions (PMID: 29748318, 26820365). This variant is present in population databases (rs760622386, ExAC 0.01%). This sequence change affects codon 286 of the TRPM4 mRNA. It is a 'silent' change, meaning that it does not change the encoded amino acid sequence of the TRPM4 protein. RNA analysis indicates that this variant induces altered splicing and may result in an absent or disrupted protein product.

Literature cited by the submitters: PubMed 29748318 (cited by 3billion and Labcorp Genetics (formerly Invitae), Labcorp); PubMed 17576681 (cited by Labcorp Genetics (formerly Invitae), Labcorp); PubMed 9536098 (cited by Labcorp Genetics (formerly Invitae), Labcorp); PubMed 26820365 (cited by Labcorp Genetics (formerly Invitae), Labcorp).